The following is an entry in ClinVar:

ClinVar aggregate classification (germline): Uncertain significance (1 of 4 stars; one submission).

Conditions:
Developmental and epileptic encephalopathy, 13 (DEE13). Also called: Early infantile epileptic encephalopathy 13; SCN8A-Related Epilepsy; Developmental and Epileptic Encephalopathy (SCN8A-DEE). Identifiers: Orphanet 442835, MedGen C3281191, MONDO:0013801, OMIM 614558.

Submission:

Mendelics
Classification: Uncertain significance for Developmental and epileptic encephalopathy, 13. Last evaluated: 2026-03-05. Review status: criteria provided, single submitter. Criteria: ACMG Guidelines, 2015. Collection method: clinical testing. Allele origin: unknown.
Comment: The available evidence is insufficient to conclusively determine the role of this variant. Therefore, it is classified as a Variant of Uncertain Significance.

NM_001330260.2(SCN8A):c.577C>G (p.Pro193Ala)

Gene: SCN8A (sodium voltage-gated channel alpha subunit 8; plus strand). Cytogenetic location: 12q13.13.
Variant type: single nucleotide variant.
Coding change: c.577C>G on transcript NM_001330260.2 (MANE Select); coding-DNA position 577, C replaced by G.
Protein change: p.Pro193Ala; replaces proline 193 with alanine.
Molecular consequence: missense variant.
Genome position (GRCh38, 1-based): chr12:51,687,182, C>G. VCF-style: chr12-51687182-C-G. GRCh37 (hg19) VCF-style: chr12-52080966-C-G.
Other names: c.577C>G, p.Pro193Ala (NM_001177984.3, NM_001369788.1, NM_014191.4); short protein forms P193A.
Identifiers: ClinVar variation 4813558 (VCV004813558.1).
Genomic context (GRCh38, chr12:51,687,182, plus strand): 5'-TCACTAGTGAAAATCATTGCAAGAGGTTTCTGCATAGATGGCTTTACCTTTTTACGGGAC[C>G]CATGGAACTGGTTAGATTTCAGTGTCATCATGATGGCGTAAGTTCTCCCCTTACTTTATT-3'
Protein context (NP_001317189.1, residues 183-203): CIDGFTFLRD[Pro193Ala]WNWLDFSVIM